The following is an entry in ClinVar:

NM_016417.3(GLRX5):c.59G>A (p.Gly20Asp)

Gene: GLRX5 (glutaredoxin 5; plus strand). Cytogenetic location: 14q32.13.
Variant type: single nucleotide variant.
Coding change: c.59G>A on transcript NM_016417.3 (MANE Select); coding-DNA position 59, G replaced by A.
Protein change: p.Gly20Asp; replaces glycine 20 with aspartic acid.
Molecular consequence: missense variant.
Genome position (GRCh38, 1-based): chr14:95,535,148, G>A. VCF-style: chr14-95535148-G-A. GRCh37 (hg19) VCF-style: chr14-96001485-G-A.
Other names: short protein forms G20D.
Identifiers: ClinVar variation 1926798 (VCV001926798.5), dbSNP rs2504103512, ClinGen allele CA390896227.

ClinVar aggregate classification (germline): Uncertain significance (1 of 4 stars; one submission).

Submission:

Labcorp Genetics (formerly Invitae), Labcorp
Classification: Uncertain significance. Last evaluated: 2024-02-24. Review status: criteria provided, single submitter. Criteria: Invitae Variant Classification Sherloc (09022015). Collection method: clinical testing. Allele origin: germline.
Comment: This sequence change replaces glycine, which is neutral and non-polar, with aspartic acid, which is acidic and polar, at codon 20 of the GLRX5 protein (p.Gly20Asp). This variant is not present in population databases (gnomAD no frequency). This variant has not been reported in the literature in individuals affected with GLRX5-related conditions. ClinVar contains an entry for this variant (Variation ID: 1926798). Experimental studies and prediction algorithms are not available or were not evaluated, and the functional significance of this variant is currently unknown. In summary, the available evidence is currently insufficient to determine the role of this variant in disease. Therefore, it has been classified as a Variant of Uncertain Significance.